The following is an entry in ClinVar:

ClinVar aggregate classification (germline): Uncertain significance. Review status: criteria provided, multiple submitters, no conflicts (2 of 4 stars). 2 submissions from 2 submitters: Uncertain significance (2). Last evaluated 2024-04-15.

Conditions:
Wilson disease (WND). Also called: Wilson's disease. Identifiers: Orphanet 905, MedGen C0019202, MONDO:0010200, OMIM 277900. Disease mechanism: loss of function.

Submissions (2):

Fulgent Genetics
Classification: Uncertain significance for Wilson disease. Last evaluated: 2024-04-15. Review status: criteria provided, single submitter. Criteria: ACMG Guidelines, 2015. Collection method: clinical testing. Allele origin: germline.

All of Us Research Program, National Institutes of Health
Classification: Uncertain significance for Wilson disease. Last evaluated: 2023-06-08. Review status: criteria provided, single submitter. Criteria: ACMG Guidelines, 2015. Collection method: clinical testing. Allele origin: germline. Inheritance: Autosomal recessive inheritance. Observed: 3 variant alleles, 3 heterozygotes.
Comment: This missense variant replaces isoleucine with serine at codon 1112 of the ATP7B protein. Computational prediction is inconclusive regarding the impact of this variant on protein structure and function (internally defined REVEL score threshold 0.5 < inconclusive < 0.7, PMID: 27666373). To our knowledge, functional studies have not been reported for this variant. This variant has not been reported in individuals affected with ATP7B-related disorders in the literature. This variant has not been identified in the general population by the Genome Aggregation Database (gnomAD). The available evidence is insufficient to determine the role of this variant in disease conclusively. Therefore, this variant is classified as a Variant of Uncertain Significance.

This study involves interpretation of variants in research participants for the purpose of population health screening. Participant phenotype was not available at the time of variant classification. Additional details can be found in publication PMID: 35346344, PMCID: PMC8962531

NM_000053.4(ATP7B):c.3335T>G (p.Ile1112Ser)

Gene: ATP7B (ATPase copper transporting beta; minus strand). Cytogenetic location: 13q14.3.
Variant type: single nucleotide variant.
Coding change: c.3335T>G on transcript NM_000053.4 (MANE Select); coding-DNA position 3335, T replaced by G.
Protein change: p.Ile1112Ser; replaces isoleucine 1112 with serine.
Molecular consequence: missense variant.
Genome position (GRCh38, 1-based): chr13:51,942,463, A>C on the plus strand (T>G on the coding strand, the complement: ATP7B is on the minus strand). VCF-style: chr13-51942463-A-C. GRCh37 (hg19) VCF-style: chr13-52516599-A-C.
Other names: c.2714T>G, p.Ile905Ser (NM_001005918.3); c.3002T>G, p.Ile1001Ser (NM_001243182.2); c.3101T>G, p.Ile1034Ser (NM_001330578.2, NM_001406527.1, NM_001406528.1 and 1 more transcripts); c.3083T>G, p.Ile1028Ser (NM_001330579.2, NM_001406531.1, NM_001406532.1); c.3335T>G, p.Ile1112Ser (NM_001406511.1, NM_001406512.1, NM_001406526.1); c.3329T>G, p.Ile1110Ser (NM_001406513.1); c.3302T>G, p.Ile1101Ser (NM_001406514.1); c.3281T>G, p.Ile1094Ser (NM_001406515.1, NM_001406516.1); and 19 more; short protein forms I1001S, I1002S, I1016S, I1028S, I1032S, I1034S, I1047S, I1051S.
Identifiers: ClinVar variation 3075593 (VCV003075593.2), dbSNP rs746731660, ClinGen allele CA388028269.